The following is an entry in ClinVar:

ClinVar aggregate classification (germline): Uncertain significance (0 of 4 stars; one submission).

Conditions:
Creatine transporter deficiency (CCDS1). Also called: Creatine Transporter (CRTR) Deficiency; Mental retardation , X-linked with seizures, short stature and midface hypoplasia; Mental retardation , X-linked, with creatine transport deficiency; X-linked creatine transporter deficiency; X-linked creatine deficiency syndrome; SLC6A8-Related Creatine Transporter Deficiency. Identifiers: Orphanet 52503, MedGen C1845862, MONDO:0010305, OMIM 300352.

Submission:

Clinical Genomics Laboratory, Stanford Medicine
Classification: Uncertain significance for Creatine transporter deficiency. Last evaluated: 2019-05-24. Review status: no assertion criteria provided. Collection method: clinical testing. Allele origin: germline. Inheritance: X-linked recessive inheritance. Affected: yes.
Comment: A different missense variant at the same residue, p.Ser417Asn, has been reported in ClinVar by another clinical laboratory (ClinVar accession: SCV000516297.4). This p.Ser417Asn variant has been observed de novo in an unrelated, unpublished proband with a neurodevelopmental condition, however full clinical details were not available for consideration by our laboratory (GeneDx, personal communication, 5/21/19). The p.Ser417Arg variant detected in this individual was absent from large population databases, including the Genome Aggregation Database. Computational tools predict that this variant is deleterious; however, the accuracy of in silico algorithms is limited. These data were assessed using the ACMG/AMP variant interpretation guidelines. In summary, the significance of the p.Ser417Arg variant is uncertain. Additional information is needed to resolve the significance of this variant [ACMG evidence codes used: PS2_supporting; PM2; PP3].

NM_005629.4(SLC6A8):c.1249A>C (p.Ser417Arg)

Gene: SLC6A8 (solute carrier family 6 member 8; plus strand). Cytogenetic location: Xq28.
Variant type: single nucleotide variant.
Coding change: c.1249A>C on transcript NM_005629.4 (MANE Select); coding-DNA position 1249, A replaced by C.
Protein change: p.Ser417Arg; replaces serine 417 with arginine.
Molecular consequence: missense variant.
Genome position (GRCh38, 1-based): chrX:153,694,012, A>C. VCF-style: chrX-153694012-A-C. GRCh37 (hg19) VCF-style: chrX-152959467-A-C.
Other names: c.1219A>C, p.Ser407Arg (NM_001142805.2); c.904A>C, p.Ser302Arg (NM_001142806.1); short protein forms S302R, S407R, S417R.
Identifiers: ClinVar variation 976445 (VCV000976445.1), dbSNP rs2091472899, ClinGen allele CA415086631.